The following is an entry in ClinVar:

NM_006922.4(SCN3A):c.3856A>C (p.Ser1286Arg)

Gene: SCN3A (sodium voltage-gated channel alpha subunit 3; minus strand). Cytogenetic location: 2q24.3.
Variant type: single nucleotide variant.
Coding change: c.3856A>C on transcript NM_006922.4 (MANE Select); coding-DNA position 3856, A replaced by C.
Protein change: p.Ser1286Arg; replaces serine 1286 with arginine.
Molecular consequence: missense variant.
Genome position (GRCh38, 1-based): chr2:165,100,412, T>G on the plus strand (A>C on the coding strand, the complement: SCN3A is on the minus strand). VCF-style: chr2-165100412-T-G. GRCh37 (hg19) VCF-style: chr2-165956922-T-G.
Other names: c.3709A>C, p.Ser1237Arg (NM_001081676.2, NM_001081677.2); short protein forms S1286R, S1237R.
Identifiers: ClinVar variation 916174 (VCV000916174.47), dbSNP rs538251957, ClinGen allele CA1938696.
Genomic context (GRCh38, chr2:165,100,412, plus strand): 5'-ATGTCCGTAATGATTTGATGGCACCGAGTTCTGAGTAGCCAAGAGCATTGGCTACCAGGC[T>G]AACCAAAGAAACCTACAAAAGGAAAAAAAAATTAATTAGTTCACCAAGAAATAAACTGTT-3'
Protein context (NP_008853.3, residues 1276-1296): DFLIVDVSLV[Ser1286Arg]LVANALGYSE

ClinVar aggregate classification (germline): Uncertain significance. Review status: criteria provided, multiple submitters, no conflicts (2 of 4 stars). 2 submissions from 2 submitters: Uncertain significance (2). Last evaluated 2025-05-02.

Allele frequency attached by ClinVar (database versions not stated): gnomAD 0.00001; gnomAD exomes 0.00001 and 0.00003; TOPMed 0.00001; ExAC 0.00003; 1000 Genomes Project 0.00020; 1000 Genomes Project 30x 0.00031.
gnomAD v4.1: 21 of 1,613,852 alleles (0.0013%); highest among the groups gnomAD compares: South Asian, 0.0066%; no homozygotes.

Submissions (2):

Labcorp Genetics (formerly Invitae), Labcorp
Classification: Uncertain significance. Last evaluated: 2025-05-02. Review status: criteria provided, single submitter. Criteria: Invitae Variant Classification Sherloc (09022015). Collection method: clinical testing. Allele origin: germline.
Comment: This sequence change replaces serine, which is neutral and polar, with arginine, which is basic and polar, at codon 1286 of the SCN3A protein (p.Ser1286Arg). This variant is present in population databases (rs538251957, gnomAD 0.01%). This variant has not been reported in the literature in individuals affected with SCN3A-related conditions. ClinVar contains an entry for this variant (Variation ID: 916174). Invitae Evidence Modeling of protein sequence and biophysical properties (such as structural, functional, and spatial information, amino acid conservation, physicochemical variation, residue mobility, and thermodynamic stability) has been performed for this missense variant. However, the output from this modeling did not meet the statistical confidence thresholds required to predict the impact of this variant on SCN3A protein function. In summary, the available evidence is currently insufficient to determine the role of this variant in disease. Therefore, it has been classified as a Variant of Uncertain Significance.

CeGaT Center for Human Genetics Tuebingen
Classification: Uncertain significance. Last evaluated: 2020-03-01. Review status: criteria provided, single submitter. Criteria: CeGaT Center For Human Genetics Tuebingen Variant Classification Criteria Version 2. Collection method: clinical testing. Allele origin: germline. Affected: yes. Observed: 2 variant alleles.